The following is an entry in ClinVar:

NM_000215.4(JAK3):c.184+40G>A

Gene: JAK3 (Janus kinase 3; minus strand). Cytogenetic location: 19p13.11.
Variant type: single nucleotide variant.
Coding change: c.184+40G>A on transcript NM_000215.4 (MANE Select); 40 bases into the intron after coding-DNA position 184, G replaced by A.
Molecular consequence: intron variant.
Genome position (GRCh38, 1-based): chr19:17,844,194, C>T on the plus strand (G>A on the coding strand, the complement: JAK3 is on the minus strand). VCF-style: chr19-17844194-C-T. GRCh37 (hg19) VCF-style: chr19-17955003-C-T.
Identifiers: ClinVar variation 1291546 (VCV001291546.5), dbSNP rs3212712, ClinGen allele CA9302241.

ClinVar aggregate classification (germline): Benign. Review status: criteria provided, multiple submitters, no conflicts (2 of 4 stars). 3 submissions from 3 submitters: Benign (3). Last evaluated 2024-01-24.

Allele frequency attached by ClinVar (database versions not stated): gnomAD exomes 0.33298; ExAC 0.38767; gnomAD 0.41672 and 0.42383; ESP Exome Variant Server 0.41720; TOPMed 0.44200; 1000 Genomes Project 0.46246; 1000 Genomes Project 30x 0.47017.
gnomAD v4.1: 492,734 of 1,539,842 alleles (32%); highest among the groups gnomAD compares: African/African-American, 70%; 85,444 homozygotes.

Submissions (3):

Unidad de Genómica Garrahan, Hospital de Pediatría Garrahan
Classification: Benign. Last evaluated: 2024-01-24. Review status: criteria provided, single submitter. Criteria: ACMG Guidelines, 2015. Collection method: clinical testing. Allele origin: germline. Affected: no. Observed: 54 variant alleles.
Comment: This variant is classified as Benign based on local population frequency. This variant was detected in 61% of patients studied by a panel of primary immunodeficiencies. Number of patients: 54. Only high quality variants are reported.

GeneDx
Classification: Benign. Last evaluated: 2018-06-23. Review status: criteria provided, single submitter. Criteria: GeneDx Variant Classification Process June 2021. Collection method: clinical testing. Allele origin: germline. Affected: yes.

Breakthrough Genomics
Classification: Benign. Review status: criteria provided, single submitter. Criteria: ACMG Guidelines, 2015. Collection method: not provided. Allele origin: germline. Inheritance: Autosomal recessive inheritance. Affected: yes.